The following is an entry in ClinVar:

NM_000194.3(HPRT1):c.564del (p.Val188_Val189insTer)

Gene: HPRT1 (hypoxanthine phosphoribosyltransferase 1; plus strand). Cytogenetic location: Xq26.2.
Variant type: Deletion.
Coding change: c.564del on transcript NM_000194.3 (MANE Select); coding-DNA position 564, one base deleted (T; older notation c.564delT).
Protein change: p.Val188_Val189insTer.
Molecular consequence: frameshift variant.
Genome position (GRCh38, 1-based): chrX:134,498,639, T deleted; the last of 2 consecutive T bases (chrX:134,498,638-134,498,639); deleting either gives the same sequence. VCF-style (leftmost placement, unchanged base first): chrX-134498637-GT-G. GRCh37 (hg19) VCF-style: chrX-133632667-GT-G.
Identifiers: ClinVar variation 960238 (VCV000960238.8), dbSNP rs2077687660, ClinGen allele CA1139667796.
Genomic context (GRCh38, chrX:134,498,637, plus strand): 5'-TATCTAAATGATGAATTATGATTCTTTTTAGTTGTTGGATTTGAAATTCCAGACAAGTTT[GT>G]TGTAGGATATGCCCTTGACTATAATGAATACTTCAGGGATTTGAATGTAAGTAATTGCTT-3'

ClinVar aggregate classification (germline): Pathogenic (1 of 4 stars; one submission).

Conditions:
Partial hypoxanthine-guanine phosphoribosyltransferase deficiency. Also called: HPRT1 DEFICIENCY, PARTIAL; GOUT, HPRT-RELATED; HPRT DEFICIENCY, PARTIAL; HYPOXANTHINE GUANINE PHOSPHORIBOSYLTRANSFERASE 1 DEFICIENCY, PARTIAL; Kelley-Seegmiller Syndrome. Identifiers: Orphanet 79233, MedGen C0268117, MONDO:0010299, OMIM 300323.
Lesch-Nyhan syndrome (LNS). Also called: Lesch-Nyhan Disease (LND); HPRT DEFICIENCY, COMPLETE. Identifiers: Orphanet 510, MedGen C0023374, MONDO:0010298, OMIM 300322.

Submission:

Labcorp Genetics (formerly Invitae), Labcorp
Classification: Pathogenic for Lesch-Nyhan syndrome; Partial hypoxanthine-guanine phosphoribosyltransferase deficiency. Last evaluated: 2023-10-03. Review status: criteria provided, single submitter. Criteria: Invitae Variant Classification Sherloc (09022015). Collection method: clinical testing. Allele origin: germline.
Comment: This sequence change creates a premature translational stop signal (p.Val189*) in the HPRT1 gene. While this is not anticipated to result in nonsense mediated decay, it is expected to disrupt the last 30 amino acid(s) of the HPRT1 protein. This variant is not present in population databases (gnomAD no frequency). This premature translational stop signal has been observed in individual(s) with HPRT1-related conditions (Invitae). ClinVar contains an entry for this variant (Variation ID: 960238). This variant disrupts a region of the HPRT1 protein in which other variant(s) (p.His204Tyr) have been determined to be pathogenic (PMID: 9799086; Invitae). This suggests that this is a clinically significant region of the protein, and that variants that disrupt it are likely to be disease-causing. For these reasons, this variant has been classified as Pathogenic.

Literature cited by the submitters: PubMed 9799086.